The following is an entry in ClinVar:

NM_000051.4(ATM):c.5989A>C (p.Thr1997Pro)

Genes: ATM (ATM serine/threonine kinase; plus strand), C11orf65 (chromosome 11 open reading frame 65; minus strand). Cytogenetic location: 11q22.3.
Variant type: single nucleotide variant.
Coding change: c.5989A>C on transcript NM_000051.4 (MANE Select); coding-DNA position 5989, A replaced by C.
Protein change: p.Thr1997Pro; replaces threonine 1997 with proline.
Molecular consequence: missense variant. On other transcripts: intron variant (2).
Genome position (GRCh38, 1-based): chr11:108,312,481, A>C. VCF-style: chr11-108312481-A-C. GRCh37 (hg19) VCF-style: chr11-108183208-A-C.
Other names: c.5989A>C, p.Thr1997Pro (NM_001351834.2); c.641-3410T>G (NM_001330368.2); c.*39-3410T>G (NM_001351110.2); short protein forms T1997P.
Identifiers: ClinVar variation 826097 (VCV000826097.14), dbSNP rs1591758871, ClinGen allele CA382548780.

ClinVar aggregate classification (germline): Uncertain significance. Review status: criteria provided, multiple submitters, no conflicts (2 of 4 stars). 2 submissions from 2 submitters: Uncertain significance (2). Last evaluated 2024-04-29.

Conditions:
Hereditary cancer-predisposing syndrome. Also called: Tumor predisposition; Neoplastic Syndromes, Hereditary; Hereditary Cancer Syndrome; Hereditary neoplastic syndrome. Identifiers: Orphanet 140162, MedGen C0027672, MeSH D009386, MONDO:0015356.
Ataxia-telangiectasia syndrome (AT). Also called: ATAXIA-TELANGIECTASIA, COMPLEMENTATION GROUP A; ATAXIA-TELANGIECTASIA, FRESNO VARIANT; Ataxia-telangiectasia; Ataxia-telangiectasia, complementation group D; AT, COMPLEMENTATION GROUP C; Ataxia-telangiectasia, complementation group E. Identifiers: Orphanet 100, MedGen C0004135, MONDO:0008840, OMIM 208900.

Submissions (2):

Labcorp Genetics (formerly Invitae), Labcorp
Classification: Uncertain significance for Ataxia-telangiectasia syndrome. Last evaluated: 2024-04-29. Review status: criteria provided, single submitter. Criteria: Invitae Variant Classification Sherloc (09022015). Collection method: clinical testing. Allele origin: germline.
Comment: This sequence change replaces threonine, which is neutral and polar, with proline, which is neutral and non-polar, at codon 1997 of the ATM protein (p.Thr1997Pro). This variant is not present in population databases (gnomAD no frequency). This missense change has been observed in individual(s) with breast cancer (PMID: 30287823). ClinVar contains an entry for this variant (Variation ID: 826097). An algorithm developed to predict the effect of missense changes on protein structure and function (PolyPhen-2) suggests that this variant is likely to be disruptive. In summary, the available evidence is currently insufficient to determine the role of this variant in disease. Therefore, it has been classified as a Variant of Uncertain Significance.

Ambry Genetics
Classification: Uncertain significance for Hereditary cancer-predisposing syndrome. Last evaluated: 2019-01-11. Review status: criteria provided, single submitter. Criteria: Ambry Variant Classification Scheme 2023. Collection method: clinical testing. Allele origin: germline.
Comment: The p.T1997P variant (also known as c.5989A>C), located in coding exon 39 of the ATM gene, results from an A to C substitution at nucleotide position 5989. The threonine at codon 1997 is replaced by proline, an amino acid with highly similar properties. This alteration has been reported with a carrier frequency of 1 in 7,051 unselected breast cancer patients and 0 in 11,241 female controls of Japanese ancestry (Momozawa Y et al. Nat Commun, 2018 10;9:4083). This amino acid position is well conserved in available vertebrate species. In addition, this alteration is predicted to be tolerated by in silico analysis. Since supporting evidence is limited at this time, the clinical significance of this alteration remains unclear.

Literature cited by the submitters: PubMed 30287823 (cited by Labcorp Genetics (formerly Invitae), Labcorp and Ambry Genetics).